The following is an entry in ClinVar:

NM_002905.5(RDH5):c.600C>G (p.Val200=)

Genes: BLOC1S1-RDH5 (BLOC1S1-RDH5 readthrough; plus strand), CD63 (CD63 molecule; minus strand), RDH5 (retinol dehydrogenase 5; plus strand). Cytogenetic location: 12q13.2.
Variant type: single nucleotide variant.
Coding change: c.600C>G on transcript NM_002905.5 (MANE Select); coding-DNA position 600, C replaced by G.
Protein change: p.Val200=; no amino-acid change (valine 200 retained).
Molecular consequence: synonymous variant. On other transcripts: non-coding transcript variant (1).
Genome position (GRCh38, 1-based): chr12:55,723,916, C>G. VCF-style: chr12-55723916-C-G. GRCh37 (hg19) VCF-style: chr12-56117700-C-G.
Other names: c.600C>G, p.Val200= (NM_001199771.3).
Identifiers: ClinVar variation 258858 (VCV000258858.17), dbSNP rs13193, ClinGen allele CA6616894.

ClinVar aggregate classification (germline): Benign. Review status: criteria provided, multiple submitters, no conflicts (2 of 4 stars). 5 submissions from 5 submitters: Benign (5). Last evaluated 2026-02-02.

Conditions:
Pigmentary retinal dystrophy. Also called: Fundus albipunctatus. Identifiers: Orphanet 227796, Orphanet 52427, MedGen C0311338, MONDO:0007639, OMIM 136880, HP:0030642.

Allele frequency attached by ClinVar (database versions not stated): ExAC 0.08040; gnomAD 0.12120; ESP Exome Variant Server 0.13217; 1000 Genomes Project 0.13978; 1000 Genomes Project 30x 0.14600; TOPMed 0.15070.
gnomAD v4.1: 84,468 of 1,613,962 alleles (5.2%); highest among the groups gnomAD compares: African/African-American, 34%; 6,787 homozygotes.

Submissions (5):

Labcorp Genetics (formerly Invitae), Labcorp
Classification: Benign. Last evaluated: 2026-02-02. Review status: criteria provided, single submitter. Criteria: Invitae Variant Classification Sherloc (09022015). Collection method: clinical testing. Allele origin: germline.

GeneDx
Classification: Benign. Last evaluated: 2018-06-26. Review status: criteria provided, single submitter. Criteria: GeneDx Variant Classification Process June 2021. Collection method: clinical testing. Allele origin: germline. Affected: yes.

Illumina Laboratory Services, Illumina
Classification: Benign for Pigmentary retinal dystrophy. Last evaluated: 2018-01-13. Review status: criteria provided, single submitter. Criteria: ICSL Variant Classification Criteria 13 December 2019. Collection method: clinical testing. Allele origin: germline.
Comment: This variant was observed in the ICSL laboratory as part of a predisposition screen in an ostensibly healthy population. It had not been previously curated by ICSL or reported in the Human Gene Mutation Database (HGMD: prior to June 1st, 2018), and was therefore a candidate for classification through an automated scoring system. Utilizing variant allele frequency, disease prevalence and penetrance estimates, and inheritance mode, an automated score was calculated to assess if this variant is too frequent to cause the disease. Based on the score and internal cut-off values, a variant classified as benign is not then subjected to further curation. The score for this variant resulted in a classification of benign for this disease.

Breakthrough Genomics
Classification: Benign. Review status: criteria provided, single submitter. Criteria: ACMG Guidelines, 2015. Collection method: not provided. Allele origin: germline. Inheritance: Autosomal dominant inheritance. Affected: yes.

PreventionGenetics, part of Exact Sciences
Classification: Benign. Review status: criteria provided, single submitter. Criteria: ACMG Guidelines, 2015. Collection method: clinical testing. Allele origin: germline.